The following is an entry in ClinVar:

NM_001114753.3(ENG):c.1898C>T (p.Ala633Val)

Gene: ENG (endoglin; minus strand). Cytogenetic location: 9q34.11.
Variant type: single nucleotide variant.
Coding change: c.1898C>T on transcript NM_001114753.3 (MANE Select); coding-DNA position 1898, C replaced by T.
Protein change: p.Ala633Val; replaces alanine 633 with valine.
Molecular consequence: missense variant. On other transcripts: 3 prime UTR variant (1).
Genome position (GRCh38, 1-based): chr9:127,815,761, G>A on the plus strand (C>T on the coding strand, the complement: ENG is on the minus strand). VCF-style: chr9-127815761-G-A. GRCh37 (hg19) VCF-style: chr9-130578040-G-A.
Other names: c.*156C>T (NM_000118.4); c.1352C>T, p.Ala451Val (NM_001278138.2); short protein forms A633V, A451V.
Identifiers: ClinVar variation 4827233 (VCV004827233.1).

ClinVar aggregate classification (germline): Uncertain significance (1 of 4 stars; one submission).

Conditions:
Cardiovascular phenotype. Identifiers: MedGen CN230736.

Submission:

Ambry Genetics
Classification: Uncertain significance for Cardiovascular phenotype. Last evaluated: 2026-03-06. Review status: criteria provided, single submitter. Criteria: Ambry Variant Classification Scheme 2023. Collection method: clinical testing. Allele origin: germline.
Comment: The p.A633V variant (also known as c.1898C>T), located in coding exon 15 of the ENG gene, results from a C to T substitution at nucleotide position 1898. The alanine at codon 633 is replaced by valine, an amino acid with similar properties. This amino acid position is conserved. In addition, this alteration is predicted to be tolerated by in silico analysis. Based on the available evidence, the clinical significance of this variant remains unclear.